The following is an entry in ClinVar:

NM_002691.4(POLD1):c.1916G>A (p.Arg639Lys)

Gene: POLD1 (DNA polymerase delta 1, catalytic subunit; plus strand). Cytogenetic location: 19q13.33.
Variant type: single nucleotide variant.
Coding change: c.1916G>A on transcript NM_002691.4 (MANE Select); coding-DNA position 1916, G replaced by A.
Protein change: p.Arg639Lys; replaces arginine 639 with lysine.
Molecular consequence: missense variant. On other transcripts: non-coding transcript variant (1).
Genome position (GRCh38, 1-based): chr19:50,409,145, G>A. VCF-style: chr19-50409145-G-A. GRCh37 (hg19) VCF-style: chr19-50912402-G-A.
Other names: c.1916G>A, p.Arg639Lys (NM_001256849.1); c.1994G>A, p.Arg665Lys (NM_001308632.1); short protein forms R639K, R665K.
Identifiers: ClinVar variation 663362 (VCV000663362.8), dbSNP rs1601226437, ClinGen allele CA406982236.
Genomic context (GRCh38, chr19:50,409,145, plus strand): 5'-GGGTGGCCGGCAGTCACCCCAACATCTTCCAACCCAGCCTGACTGAGGATCAGTTCATCA[G>A]GACCCCCACCGGGGACGAGTTTGTGAAGACCTCAGTGCGGAAGGGGCTGCTGCCCCAGAT-3'
Protein context (NP_002682.2, residues 629-649): KLGLTEDQFI[Arg639Lys]TPTGDEFVKT

ClinVar aggregate classification (germline): Uncertain significance (1 of 4 stars; one submission).

Conditions:
POLD1-related polyposis and colorectal cancer syndrome (CRCS10). Also called: Colorectal cancer, susceptibility to, 10; Colorectal cancer 10; COLORECTAL CANCER, SUSCEPTIBILITY TO, ON CHROMOSOME 19q. Identifiers: Orphanet 220460, MedGen C2675481, MONDO:0012953, OMIM 612591.

Submission:

Labcorp Genetics (formerly Invitae), Labcorp
Classification: Uncertain significance for POLD1-related polyposis and colorectal cancer syndrome. Last evaluated: 2022-01-13. Review status: criteria provided, single submitter. Criteria: Invitae Variant Classification Sherloc (09022015). Collection method: clinical testing. Allele origin: germline.
Comment: Algorithms developed to predict the effect of missense changes on protein structure and function output the following: SIFT: "Tolerated"; PolyPhen-2: "Benign"; Align-GVGD: "Class C0". The lysine amino acid residue is found in multiple mammalian species, which suggests that this missense change does not adversely affect protein function. ClinVar contains an entry for this variant (Variation ID: 663362). This variant has not been reported in the literature in individuals affected with POLD1-related conditions. This variant is not present in population databases (gnomAD no frequency). This sequence change replaces arginine, which is basic and polar, with lysine, which is basic and polar, at codon 639 of the POLD1 protein (p.Arg639Lys). In summary, the available evidence is currently insufficient to determine the role of this variant in disease. Therefore, it has been classified as a Variant of Uncertain Significance.